The following is an entry in ClinVar:

ClinVar aggregate classification (germline): Pathogenic (1 of 4 stars; one submission).

Conditions:
Ehlers-Danlos syndrome, classic type, 1 (EDSCL1). Also called: EHLERS-DANLOS SYNDROME, GRAVIS TYPE; EHLERS-DANLOS SYNDROME, SEVERE CLASSIC TYPE; Ehlers-Danlos syndrome, type 1; EDS I; Ehlers-Danlos Syndrome, Classic Type, COL5A1-Related. Identifiers: MedGen C0268335, MONDO:0019567, OMIM 130000.
Osteogenesis imperfecta type I (OI1). Also called: OI, TYPE I; OSTEOGENESIS IMPERFECTA TARDA; OSTEOGENESIS IMPERFECTA WITH BLUE SCLERAE; Osteogenesis imperfecta type 1; Lobstein's Disease; Lobstein disease. Identifiers: Orphanet 216796, Orphanet 666, MedGen C0023931, MONDO:0008146, OMIM 166200. Disease mechanism: loss of function.

Submission:

Labcorp Genetics (formerly Invitae), Labcorp
Classification: Pathogenic for Osteogenesis imperfecta type I; Ehlers-Danlos syndrome, classic type, 1. Last evaluated: 2022-07-07. Review status: criteria provided, single submitter. Criteria: Invitae Variant Classification Sherloc (09022015). Collection method: clinical testing. Allele origin: germline.
Comment: For these reasons, this variant has been classified as Pathogenic. This variant disrupts the triple helix domain of COL1A2. Glycine residues within the Gly-Xaa-Yaa repeats of the triple helix domain are required for the structure and stability of fibrillar collagens (PMID: 7695699, 8218237, 19344236). In COL1A2, variants affecting these glycine residues are significantly enriched in individuals with disease (PMID: 9016532, 17078022) compared to the general population (ExAC). Advanced modeling of protein sequence and biophysical properties (such as structural, functional, and spatial information, amino acid conservation, physicochemical variation, residue mobility, and thermodynamic stability) performed at Invitae indicates that this missense variant is expected to disrupt COL1A2 protein function. This missense change has been observed in individual(s) with osteogenesis imperfecta (PMID: 22753364). This variant is not present in population databases (gnomAD no frequency). This sequence change replaces glycine, which is neutral and non-polar, with arginine, which is basic and polar, at codon 385 of the COL1A2 protein (p.Gly385Arg).

Literature cited by the submitters: PubMed 7695699; PubMed 8218237; PubMed 19344236; PubMed 9016532; PubMed 17078022; PubMed 22753364.

NM_000089.4(COL1A2):c.1153G>C (p.Gly385Arg)

Gene: COL1A2 (collagen type I alpha 2 chain; plus strand). Cytogenetic location: 7q21.3.
Variant type: single nucleotide variant.
Coding change: c.1153G>C on transcript NM_000089.4 (MANE Select); coding-DNA position 1153, G replaced by C.
Protein change: p.Gly385Arg; replaces glycine 385 with arginine.
Molecular consequence: missense variant.
Genome position (GRCh38, 1-based): chr7:94,410,483, G>C. VCF-style: chr7-94410483-G-C. GRCh37 (hg19) VCF-style: chr7-94039795-G-C.
Other names: short protein forms G385R.
Identifiers: ClinVar variation 2007264 (VCV002007264.4), dbSNP rs1584319922, ClinGen allele CA368221264.
Genomic context (GRCh38, chr7:94,410,483, plus strand): 5'-TCTGCTGGGCCCCAAGGTCCTCCTGGTCCCAGTGGTGAAGAAGGAAAGAGAGGCCCTAAT[G>C]GGGAAGCTGGATCTGCCGGCCCTCCAGGACCTCCTGGGCTGAGAGTAGGTTTCAAATGCT-3'
Protein context (NP_000080.2, residues 375-395): SGEEGKRGPN[Gly385Arg]EAGSAGPPGP